The following is an entry in ClinVar:

NM_017433.5(MYO3A):c.1080G>A (p.Lys360=)

Gene: MYO3A (myosin IIIA; plus strand). Cytogenetic location: 10p12.1.
Variant type: single nucleotide variant.
Coding change: c.1080G>A on transcript NM_017433.5 (MANE Select); coding-DNA position 1080, G replaced by A.
Protein change: p.Lys360=; no amino-acid change (lysine 360 retained).
Molecular consequence: synonymous variant.
Genome position (GRCh38, 1-based): chr10:26,068,794, G>A. VCF-style: chr10-26068794-G-A. GRCh37 (hg19) VCF-style: chr10-26357723-G-A.
Identifiers: ClinVar variation 45795 (VCV000045795.5), dbSNP rs397517293, ClinGen allele CA137054.

ClinVar aggregate classification (germline): Likely benign (1 of 4 stars; one submission).

gnomAD v4.1: 1 of 1,591,616 alleles (0.000063%); highest among the groups gnomAD compares: East Asian, 0.0022%; no homozygotes.

Submission:

Laboratory for Molecular Medicine, Mass General Brigham Personalized Medicine
Classification: Likely benign. Last evaluated: 2013-03-06. Review status: criteria provided, single submitter. Criteria: LMM Criteria. Collection method: clinical testing. Allele origin: germline. Observed: 1 variant allele.
Comment: Lys360Lys in exon 12 of MYO3A: This variant is not expected to have clinical sig nificance because it does not alter an amino acid residue and is not located wit hin the splice consensus sequence.